The following is an entry in ClinVar:

ClinVar aggregate classification (germline): Uncertain significance (1 of 4 stars; one submission).

Conditions:
Episodic ataxia type 1 (EA1). Also called: ATAXIA, EPISODIC, WITH MYOKYMIA; Episodic ataxia/myokymia syndrome; MYOKYMIA WITH PERIODIC ATAXIA; PAROXYSMAL ATAXIA WITH NEUROMYOTONIA, HEREDITARY. Identifiers: Orphanet 37612, Orphanet 972, MedGen C1719788, MONDO:0008047, OMIM 160120.

Submission:

Labcorp Genetics (formerly Invitae), Labcorp
Classification: Uncertain significance for Episodic ataxia type 1. Last evaluated: 2022-04-29. Review status: criteria provided, single submitter. Criteria: Invitae Variant Classification Sherloc (09022015). Collection method: clinical testing. Allele origin: germline.
Comment: This sequence change replaces isoleucine, which is neutral and non-polar, with valine, which is neutral and non-polar, at codon 171 of the KCNA1 protein (p.Ile171Val). This variant is not present in population databases (gnomAD no frequency). This variant has not been reported in the literature in individuals affected with KCNA1-related conditions. Advanced modeling of protein sequence and biophysical properties (such as structural, functional, and spatial information, amino acid conservation, physicochemical variation, residue mobility, and thermodynamic stability) performed at Invitae indicates that this missense variant is not expected to disrupt KCNA1 protein function. In summary, the available evidence is currently insufficient to determine the role of this variant in disease. Therefore, it has been classified as a Variant of Uncertain Significance.

NM_000217.3(KCNA1):c.511A>G (p.Ile171Val)

Gene: KCNA1 (potassium voltage-gated channel subfamily A member 1; plus strand). Cytogenetic location: 12p13.32.
Variant type: single nucleotide variant.
Coding change: c.511A>G on transcript NM_000217.3 (MANE Select); coding-DNA position 511, A replaced by G.
Protein change: p.Ile171Val; replaces isoleucine 171 with valine.
Molecular consequence: missense variant.
Genome position (GRCh38, 1-based): chr12:4,911,889, A>G. VCF-style: chr12-4911889-A-G. GRCh37 (hg19) VCF-style: chr12-5021055-A-G.
Other names: short protein forms I171V.
Identifiers: ClinVar variation 2131742 (VCV002131742.4), dbSNP rs2497352497, ClinGen allele CA383454725.
Genomic context (GRCh38, chr12:4,911,889, plus strand): 5'-CGCCAGGTGTGGCTGCTCTTCGAGTACCCCGAGAGCTCGGGGCCCGCCAGGGTCATCGCC[A>G]TCGTCTCCGTCATGGTCATCCTCATCTCCATCGTCATCTTTTGCCTGGAGACGCTCCCCG-3'
Protein context (NP_000208.2, residues 161-181): ESSGPARVIA[Ile171Val]VSVMVILISI